The following is an entry in ClinVar:

NM_020207.7(ERCC6L2):c.1127T>C (p.Ile376Thr)

Gene: ERCC6L2 (ERCC excision repair 6 like 2; plus strand). Cytogenetic location: 9q22.32.
Variant type: single nucleotide variant.
Coding change: c.1127T>C on transcript NM_020207.7 (MANE Select); coding-DNA position 1127, T replaced by C.
Protein change: p.Ile376Thr; replaces isoleucine 376 with threonine.
Molecular consequence: missense variant. On other transcripts: non-coding transcript variant (1).
Genome position (GRCh38, 1-based): chr9:95,916,403, T>C. VCF-style: chr9-95916403-T-C. GRCh37 (hg19) VCF-style: chr9-98678685-T-C.
Other names: c.1127T>C, p.Ile376Thr (NM_001010895.4, NM_001375291.1, NM_001375292.1 and 2 more transcripts); short protein forms I376T.
Identifiers: ClinVar variation 3510037 (VCV003510037.2).
Genomic context (GRCh38, chr9:95,916,403, plus strand): 5'-CCATGCAAAGACTTGCCAAAAAGATGTCTGGCTGGTTTCTCAGGCGCACCAAGACTCTTA[T>C]CAAGGATCAGTTGCCTAAGAAGGAAGACCGGGTAAGAACCGCATTTGTATATATTATTAA-3'
Protein context (NP_064592.3, residues 366-386): GWFLRRTKTL[Ile376Thr]KDQLPKKEDR

ClinVar aggregate classification (germline): Uncertain significance. Review status: criteria provided, multiple submitters, no conflicts (2 of 4 stars). 2 submissions from 2 submitters: Uncertain significance (2). Last evaluated 2024-12-10.

Conditions:
Inborn genetic diseases. Identifiers: MedGen C0950123, MeSH D030342.

gnomAD v4.1: 10 of 1,588,024 alleles (0.00063%); highest among the groups gnomAD compares: African/African-American, 0.0041%; no homozygotes.

Submissions (2):

Ambry Genetics
Classification: Uncertain significance for Inborn genetic diseases. Last evaluated: 2024-12-10. Review status: criteria provided, single submitter. Criteria: Ambry Variant Classification Scheme 2023. Collection method: clinical testing. Allele origin: germline.
Comment: The p.I376T variant (also known as c.1127T>C), located in coding exon 6 of the ERCC6L2 gene, results from a T to C substitution at nucleotide position 1127. The isoleucine at codon 376 is replaced by threonine, an amino acid with similar properties. This amino acid position is conserved. In addition, this alteration is predicted to be deleterious by in silico analysis. Based on the available evidence, the clinical significance of this variant remains unclear.

Blueprint Genetics
Classification: Uncertain significance. Last evaluated: 2022-09-09. Review status: criteria provided, single submitter. Criteria: ACMG Guidelines, 2015. Collection method: clinical testing. Allele origin: germline.